The following is an entry in ClinVar:

NM_000883.4(IMPDH1):c.730A>C (p.Thr244Pro)

Gene: IMPDH1 (inosine monophosphate dehydrogenase 1; minus strand). Cytogenetic location: 7q32.1.
Variant type: single nucleotide variant.
Coding change: c.730A>C on transcript NM_000883.4 (MANE Select); coding-DNA position 730, A replaced by C.
Protein change: p.Thr244Pro; replaces threonine 244 with proline.
Molecular consequence: missense variant.
Genome position (GRCh38, 1-based): chr7:128,400,389, T>G on the plus strand (A>C on the coding strand, the complement: IMPDH1 is on the minus strand). VCF-style: chr7-128400389-T-G. GRCh37 (hg19) VCF-style: chr7-128040443-T-G.
Other names: c.700A>C, p.Thr234Pro (NM_001102605.2); c.475A>C, p.Thr159Pro (NM_001142573.2); c.460A>C, p.Thr154Pro (NM_001142574.2); c.400A>C, p.Thr134Pro (NM_001142575.2); c.631A>C, p.Thr211Pro (NM_001142576.2); c.523A>C, p.Thr175Pro (NM_001304521.2); c.622A>C, p.Thr208Pro (NM_183243.3); short protein forms T134P, T159P, T175P, T208P, T211P, T234P, T154P, T244P.
Identifiers: ClinVar variation 845744 (VCV000845744.10), dbSNP rs1253235754, ClinGen allele CA369173193.

ClinVar aggregate classification (germline): Uncertain significance. Review status: criteria provided, single submitter (1 of 4 stars). 2 submissions from 2 submitters: Uncertain significance (1). 1 of the submissions does not count toward it. Last evaluated 2025-03-17.

Conditions:
Retinal dystrophy. Also called: Inherited retinal dystrophy. Identifiers: Orphanet 71862, MedGen C0854723, MeSH D058499, MONDO:0019118, HP:0000556.

Allele frequency attached by ClinVar (database versions not stated): gnomAD exomes below 0.00001.
gnomAD v4.1: 2 of 1,612,398 alleles (0.00012%); highest among the groups gnomAD compares: Non-Finnish European, 0.00017%; no homozygotes.

Submissions (2):

Labcorp Genetics (formerly Invitae), Labcorp
Classification: Uncertain significance. Last evaluated: 2025-03-17. Review status: criteria provided, single submitter. Criteria: Invitae Variant Classification Sherloc (09022015). Collection method: clinical testing. Allele origin: germline.
Comment: This sequence change replaces threonine, which is neutral and polar, with proline, which is neutral and non-polar, at codon 244 of the IMPDH1 protein (p.Thr244Pro). This variant is present in population databases (no rsID available, gnomAD 0.0009%). This missense change has been observed in individuals with inherited retinal dystrophy (PMID: 37734845; internal data). ClinVar contains an entry for this variant (Variation ID: 845744). An algorithm developed to predict the effect of missense changes on protein structure and function (PolyPhen-2) suggests that this variant is likely to be disruptive. In summary, the available evidence is currently insufficient to determine the role of this variant in disease. Therefore, it has been classified as a Variant of Uncertain Significance.

Institute of Human Genetics, Univ. Regensburg, Univ. Regensburg
Classification: Likely pathogenic for Retinal dystrophy. Last evaluated: 2021-01-01. Review status: no assertion criteria provided. Criteria: ACMG Guidelines, 2015. Collection method: clinical testing. Allele origin: germline. Affected: yes. Not counted in ClinVar's aggregate classification.

Literature cited by the submitters: PubMed 37734845 (cited by Labcorp Genetics (formerly Invitae), Labcorp).